The following is an entry in ClinVar:

ClinVar aggregate classification (germline): Uncertain significance (1 of 4 stars; one submission).

Allele frequency attached by ClinVar (database versions not stated): gnomAD exomes below 0.00001 and 0.00001; ExAC 0.00003.

Submission:

GeneDx
Classification: Uncertain significance. Last evaluated: 2019-04-25. Review status: criteria provided, single submitter. Criteria: GeneDx Variant Classification Process June 2021. Collection method: clinical testing. Allele origin: germline. Affected: yes.
Comment: Has not been previously published as pathogenic or benign to our knowledge; Not observed at a significant frequency in large population cohorts (Lek et al., 2016); In silico analysis, which includes protein predictors and evolutionary conservation, supports a deleterious effect

NM_033118.4(MYLK2):c.951G>C (p.Lys317Asn)

Gene: MYLK2 (myosin light chain kinase 2; plus strand). Cytogenetic location: 20q11.21.
Variant type: single nucleotide variant.
Coding change: c.951G>C on transcript NM_033118.4 (MANE Select); coding-DNA position 951, G replaced by C.
Protein change: p.Lys317Asn; replaces lysine 317 with asparagine.
Molecular consequence: missense variant.
Genome position (GRCh38, 1-based): chr20:31,824,331, G>C. VCF-style: chr20-31824331-G-C. GRCh37 (hg19) VCF-style: chr20-30412134-G-C.
Other names: short protein forms K317N.
Identifiers: ClinVar variation 1315634 (VCV001315634.2), dbSNP rs746087682, ClinGen allele CA9803056.